The following is an entry in ClinVar:

NM_182919.4(TICAM1):c.631C>G (p.Gln211Glu)

Gene: TICAM1 (TIR domain containing adaptor molecule 1; minus strand). Cytogenetic location: 19p13.3.
Variant type: single nucleotide variant.
Coding change: c.631C>G on transcript NM_182919.4 (MANE Select); coding-DNA position 631, C replaced by G.
Protein change: p.Gln211Glu; replaces glutamine 211 with glutamic acid.
Molecular consequence: missense variant. On other transcripts: 5 prime UTR variant (1).
Genome position (GRCh38, 1-based): chr19:4,817,747, G>C on the plus strand (C>G on the coding strand, the complement: TICAM1 is on the minus strand). VCF-style: chr19-4817747-G-C. GRCh37 (hg19) VCF-style: chr19-4817759-G-C.
Other names: c.589C>G, p.Gln197Glu (NM_001385678.1); c.496C>G, p.Gln166Glu (NM_001385679.1); c.-12C>G (NM_001385680.1); short protein forms Q166E, Q197E, Q211E.
Identifiers: ClinVar variation 2005249 (VCV002005249.3), dbSNP rs2512399609, ClinGen allele CA403492211.

ClinVar aggregate classification (germline): Uncertain significance (1 of 4 stars; one submission).

Conditions:
Encephalopathy, acute, infection-induced (herpes-specific), susceptibility to, 6. Also called: Herpes simplex encephalitis, susceptibility to, 4. Identifiers: Orphanet 1930, MedGen C3553869, MONDO:0013921, OMIM 614850.

Submission:

Labcorp Genetics (formerly Invitae), Labcorp
Classification: Uncertain significance for Encephalopathy, acute, infection-induced (herpes-specific), susceptibility to, 6. Last evaluated: 2022-06-12. Review status: criteria provided, single submitter. Criteria: Invitae Variant Classification Sherloc (09022015). Collection method: clinical testing. Allele origin: germline.
Comment: This sequence change replaces glutamine, which is neutral and polar, with glutamic acid, which is acidic and polar, at codon 211 of the TICAM1 protein (p.Gln211Glu). This variant is not present in population databases (gnomAD no frequency). This variant has not been reported in the literature in individuals affected with TICAM1-related conditions. Algorithms developed to predict the effect of missense changes on protein structure and function (SIFT, PolyPhen-2, Align-GVGD) all suggest that this variant is likely to be tolerated. In summary, the available evidence is currently insufficient to determine the role of this variant in disease. Therefore, it has been classified as a Variant of Uncertain Significance.